The following is an entry in ClinVar:

NM_014009.4(FOXP3):c.799A>C (p.Thr267Pro)

Gene: FOXP3 (forkhead box P3; minus strand). Cytogenetic location: Xp11.23.
Variant type: single nucleotide variant.
Coding change: c.799A>C on transcript NM_014009.4 (MANE Select); coding-DNA position 799, A replaced by C.
Protein change: p.Thr267Pro; replaces threonine 267 with proline.
Molecular consequence: missense variant.
Genome position (GRCh38, 1-based): chrX:49,255,446, T>G on the plus strand (A>C on the coding strand, the complement: FOXP3 is on the minus strand). VCF-style: chrX-49255446-T-G. GRCh37 (hg19) VCF-style: chrX-49111907-T-G.
Other names: c.694A>C, p.Thr232Pro (NM_001114377.2); short protein forms T267P, T232P.
Identifiers: ClinVar variation 2087757 (VCV002087757.4), dbSNP rs1557116153, ClinGen allele CA412950892.

ClinVar aggregate classification (germline): Uncertain significance (1 of 4 stars; one submission).

Conditions:
Insulin-dependent diabetes mellitus secretory diarrhea syndrome (IPEX). Also called: Immunodysregulation, polyendocrinopathy, and enteropathy, X-linked; IPEX and IPEX-Like; Immune dysregulation-polyendocrinopathy-enteropathy-X-linked syndrome; Immunodeficiency, Polyendocrinopathy, and Enteropathy X-Linked Syndrome; X-Linked Syndrome of Polyendocrinopathy, Immune Dysfunction, and Diarrhea; DIABETES MELLITUS, CONGENITAL INSULIN-DEPENDENT, WITH FATAL SECRETORY DIARRHEA. Identifiers: Orphanet 37042, MedGen C0342288, MONDO:0010580, OMIM 304790. Disease mechanism: loss of function.

Submission:

Labcorp Genetics (formerly Invitae), Labcorp
Classification: Uncertain significance for Insulin-dependent diabetes mellitus secretory diarrhea syndrome. Last evaluated: 2022-01-18. Review status: criteria provided, single submitter. Criteria: Invitae Variant Classification Sherloc (09022015). Collection method: clinical testing. Allele origin: germline.
Comment: This sequence change replaces threonine, which is neutral and polar, with proline, which is neutral and non-polar, at codon 267 of the FOXP3 protein (p.Thr267Pro). In summary, the available evidence is currently insufficient to determine the role of this variant in disease. Therefore, it has been classified as a Variant of Uncertain Significance. Advanced modeling of protein sequence and biophysical properties (such as structural, functional, and spatial information, amino acid conservation, physicochemical variation, residue mobility, and thermodynamic stability) performed at Invitae indicates that this missense variant is not expected to disrupt FOXP3 protein function. This variant has not been reported in the literature in individuals affected with FOXP3-related conditions. This variant is not present in population databases (gnomAD no frequency).